The following is an entry in ClinVar:

NM_000303.3(PMM2):c.64C>T (p.Gln22Ter)

Gene: PMM2 (phosphomannomutase 2; plus strand). Cytogenetic location: 16p13.2.
Variant type: single nucleotide variant.
Coding change: c.64C>T on transcript NM_000303.3 (MANE Select); coding-DNA position 64, C replaced by T.
Protein change: p.Gln22Ter; replaces glutamine 22 with a stop codon.
Molecular consequence: nonsense.
Genome position (GRCh38, 1-based): chr16:8,797,946, C>T. VCF-style: chr16-8797946-C-T. GRCh37 (hg19) VCF-style: chr16-8891803-C-T.
Other names: short protein forms Q22*.
Identifiers: ClinVar variation 2677886 (VCV002677886.7), dbSNP rs2549141627, ClinGen allele CA394694918.

ClinVar aggregate classification (germline): Pathogenic. Review status: criteria provided, multiple submitters, no conflicts (2 of 4 stars). 3 submissions from 3 submitters: Pathogenic (3). Last evaluated 2024-12-26.

Conditions:
PMM2-congenital disorder of glycosylation. Also called: CDG Ia; CARBOHYDRATE-DEFICIENT GLYCOPROTEIN SYNDROME, TYPE Ia; JAEKEN SYNDROME; PHOSPHOMANNOMUTASE 2 DEFICIENCY; PMM2-CDG; Congenital disorder of glycosylation, type Ia. Identifiers: Orphanet 79318, MedGen C0349653, MONDO:0008907, OMIM 212065.

Submissions (3):

Women's Health and Genetics/Laboratory Corporation of America, LabCorp
Classification: Pathogenic for PMM2-congenital disorder of glycosylation. Last evaluated: 2024-12-26. Review status: criteria provided, single submitter. Criteria: LabCorp Variant Classification Summary - May 2015. Collection method: clinical testing. Allele origin: germline.
Comment: Variant summary: PMM2 c.64C>T (p.Gln22X) results in a premature termination codon, predicted to cause a truncation of the encoded protein or absence of the protein due to nonsense mediated decay, which are commonly known mechanisms for disease. The frequency data for this variant in gnomAD is considered unreliable, as metrics indicate poor data quality at this position. c.64C>T has been reported in the literature but has not been specified in any individuals affected with Congenital Disorder Of Glycosylation Type 1a (Haeuptle_2009). These report(s) do not provide unequivocal conclusions about association of the variant with Congenital Disorder Of Glycosylation Type 1a. To our knowledge, no experimental evidence demonstrating an impact on protein function has been reported. The following publication have been ascertained in the context of this evaluation (PMID: 19862844). ClinVar contains an entry for this variant (Variation ID: 2677886). Based on the evidence outlined above, the variant was classified as pathogenic.

Labcorp Genetics (formerly Invitae), Labcorp
Classification: Pathogenic for PMM2-congenital disorder of glycosylation. Last evaluated: 2022-11-18. Review status: criteria provided, single submitter. Criteria: Invitae Variant Classification Sherloc (09022015). Collection method: clinical testing. Allele origin: germline.
Comment: For these reasons, this variant has been classified as Pathogenic. Algorithms developed to predict the effect of sequence changes on RNA splicing suggest that this variant may create or strengthen a splice site. This premature translational stop signal has been observed in individual(s) with PMM2-CDG (PMID: 19862844). This variant is not present in population databases (gnomAD no frequency). This sequence change creates a premature translational stop signal (p.Gln22*) in the PMM2 gene. It is expected to result in an absent or disrupted protein product. Loss-of-function variants in PMM2 are known to be pathogenic (PMID: 19862844).

Kariminejad - Najmabadi Pathology & Genetics Center
Classification: Pathogenic for PMM2-congenital disorder of glycosylation. Review status: criteria provided, single submitter. Criteria: ACMG Guidelines, 2015. Collection method: clinical testing. Allele origin: germline. Affected: no.

Literature cited by the submitters: PubMed 19862844 (cited by Women's Health and Genetics/Laboratory Corporation of America, LabCorp and Labcorp Genetics (formerly Invitae), Labcorp).